The following is an entry in ClinVar:

NM_080632.3(UPF3B):c.388A>G (p.Ile130Val)

Gene: UPF3B (UPF3B regulator of nonsense mediated mRNA decay; minus strand). Cytogenetic location: Xq24.
Variant type: single nucleotide variant.
Coding change: c.388A>G on transcript NM_080632.3 (MANE Select); coding-DNA position 388, A replaced by G.
Protein change: p.Ile130Val; replaces isoleucine 130 with valine.
Molecular consequence: missense variant.
Genome position (GRCh38, 1-based): chrX:119,845,279, T>C on the plus strand (A>G on the coding strand, the complement: UPF3B is on the minus strand). VCF-style: chrX-119845279-T-C. GRCh37 (hg19) VCF-style: chrX-118979242-T-C.
Other names: c.388A>G, p.Ile130Val (NM_023010.4); short protein forms I130V.
Identifiers: ClinVar variation 1735870 (VCV001735870.11), dbSNP rs201112408, ClinGen allele CA10503328.

ClinVar aggregate classification (germline): Uncertain significance. Review status: criteria provided, multiple submitters, no conflicts (2 of 4 stars). 3 submissions from 3 submitters: Uncertain significance (3). Last evaluated 2025-12-03.

Conditions:
Intellectual developmental disorder, X-linked, syndromic 14. Also called: Syndromic X-linked intellectual disability 14. Identifiers: Orphanet 776, MedGen C1970822, MONDO:0010398, OMIM 300676.
Inborn genetic diseases. Identifiers: MedGen C0950123, MeSH D030342.

Allele frequency attached by ClinVar (database versions not stated): ExAC 0.00002; gnomAD exomes 0.00003; gnomAD 0.00005; TOPMed 0.00002.
gnomAD v4.1: 40 of 1,206,040 alleles (0.0033%); highest among the groups gnomAD compares: Non-Finnish European, 0.0039%; no homozygotes.

Submissions (3):

Labcorp Genetics (formerly Invitae), Labcorp
Classification: Uncertain significance for Intellectual developmental disorder, X-linked, syndromic 14. Last evaluated: 2025-12-03. Review status: criteria provided, single submitter. Criteria: Invitae Variant Classification Sherloc (09022015). Collection method: clinical testing. Allele origin: germline.
Comment: This sequence change replaces isoleucine, which is neutral and non-polar, with valine, which is neutral and non-polar, at codon 130 of the UPF3B protein (p.Ile130Val). This variant is present in population databases (rs201112408, gnomAD 0.006%). This variant has not been reported in the literature in individuals affected with UPF3B-related conditions. ClinVar contains an entry for this variant (Variation ID: 1735870). Invitae Evidence Modeling of protein sequence and biophysical properties (such as structural, functional, and spatial information, amino acid conservation, physicochemical variation, residue mobility, and thermodynamic stability) indicates that this missense variant is not expected to disrupt UPF3B protein function with a negative predictive value of 80%. In summary, the available evidence is currently insufficient to determine the role of this variant in disease. Therefore, it has been classified as a Variant of Uncertain Significance.

Ambry Genetics
Classification: Uncertain significance for Inborn genetic diseases. Last evaluated: 2025-04-16. Review status: criteria provided, single submitter. Criteria: Ambry Variant Classification Scheme 2023. Collection method: clinical testing. Allele origin: germline.

Revvity Omics, Revvity
Classification: Uncertain significance for Intellectual developmental disorder, X-linked, syndromic 14. Last evaluated: 2021-10-01. Review status: criteria provided, single submitter. Criteria: ACMG Guidelines, 2015. Collection method: clinical testing. Allele origin: germline.